The following continues an entry in ClinVar:

NM_000059.4(BRCA2):c.9097del (p.Thr3033fs)

Gene: BRCA2. ClinVar aggregate classification (germline): Pathogenic. Pathogenic (1). ClinVar aggregate classification (somatic clinical impact): Tier I - Strong.

Submissions 11 to 28 of 28:

PreventionGenetics, part of Exact Sciences
Classification: Pathogenic for BRCA2-related condition. Last evaluated: 2023-01-23. Review status: criteria provided, single submitter. Criteria: ACMG Guidelines, 2015. Collection method: clinical testing. Allele origin: germline. Not counted in ClinVar's aggregate classification.
Comment: The BRCA2 c.9097delA variant is predicted to result in a frameshift and premature protein termination (p.Thr3033Leufs*29). This variant has been reported in several individuals with breast cancer (van der Hout et al 2006. PubMed ID: 16683254; Santonocito C et al 2020. PubMed ID: 32438681) and it is classified as pathogenic by over ten submitters in ClinVar. This variant is documented in 0.0056% of alleles in individuals of East Asian descent in gnomAD. Frameshift variants in BRCA2 are expected to be pathogenic. This variant is interpreted as pathogenic.

Baylor Genetics
Classification: Pathogenic for Familial cancer of breast. Last evaluated: 2022-11-02. Review status: criteria provided, single submitter. Criteria: ACMG Guidelines, 2015. Collection method: clinical testing. Allele origin: unknown. Not counted in ClinVar's aggregate classification.

Clinical Genetics Laboratory, Skane University Hospital Lund
Classification: Pathogenic. Last evaluated: 2022-05-27. Review status: criteria provided, single submitter. Criteria: ACMG Guidelines, 2015. Collection method: clinical testing. Allele origin: germline. Affected: yes. Not counted in ClinVar's aggregate classification.

Women's Health and Genetics/Laboratory Corporation of America, LabCorp
Classification: Pathogenic for Hereditary breast ovarian cancer syndrome. Last evaluated: 2022-03-21. Review status: criteria provided, single submitter. Criteria: LabCorp Variant Classification Summary - May 2015. Collection method: clinical testing. Allele origin: germline. Not counted in ClinVar's aggregate classification.
Comment: Variant summary: BRCA2 c.9097delA (p.Thr3033LeufsX29) results in a premature termination codon, predicted to cause a truncation of the encoded protein or absence of the protein due to nonsense mediated decay, which are commonly known mechanisms for disease. Truncations downstream of this position have been classified as pathogenic by our laboratory. The variant allele was found at a frequency of 1.2e-05 in 245952 control chromosomes. c.9097delA has been reported in the literature in numerous individuals affected with Hereditary Breast And Ovarian Cancer Syndrome. 11 clinical diagnostic laboratories have submitted clinical-significance assessments for this variant to ClinVar after 2014 without evidence for independent evaluation. All laboratories classified the variant as pathogenic. Based on the evidence outlined above, the variant was classified as pathogenic.

Color Diagnostics, LLC DBA Color Health
Classification: Pathogenic for Hereditary cancer-predisposing syndrome. Last evaluated: 2021-11-15. Review status: criteria provided, single submitter. Criteria: ACMG Guidelines, 2015. Collection method: clinical testing. Allele origin: germline. Not counted in ClinVar's aggregate classification.
Comment: This variant deletes 1 nucleotide in exon 23 of the BRCA2 gene, creating a frameshift and premature translation stop signal. This variant is expected to result in an absent or non-functional protein product. To our knowledge, functional studies have not been reported for this variant. This variant has been detected in at least five individuals affected with breast cancer or breast and ovarian cancer (PMID: 18006916, 19818148, 26221963, 28993434; Color internal data). This variant has not been identified in the general population by the Genome Aggregation Database (gnomAD). Loss of BRCA2 function is a known mechanism of disease. Based on the available evidence, this variant is classified as Pathogenic.

Institute for Clinical Genetics, University Hospital TU Dresden, University Hospital TU Dresden
Classification: Pathogenic. Last evaluated: 2021-11-03. Review status: criteria provided, single submitter. Criteria: ACMG Guidelines, 2015. Collection method: clinical testing. Allele origin: germline. Not counted in ClinVar's aggregate classification.

Quest Diagnostics Nichols Institute San Juan Capistrano
Classification: Pathogenic. Last evaluated: 2020-08-02. Review status: criteria provided, single submitter. Criteria: Quest Diagnostics criteria. Collection method: clinical testing. Allele origin: unknown. Not counted in ClinVar's aggregate classification.
Comment: This frameshift variant causes the premature termination of BRCA2 protein synthesis. In addition, it has been reported in individuals affected with breast and/or ovarian cancer in the published literature (PMID: 28993434 (2018), 16683254 (2006)). Based on the available information, this variant is classified as pathogenic.

Mendelics
Classification: Pathogenic for Breast-ovarian cancer, familial, susceptibility to, 2. Last evaluated: 2019-05-28. Review status: criteria provided, single submitter. Criteria: Mendelics Assertion Criteria 2017. Collection method: clinical testing. Allele origin: unknown. Not counted in ClinVar's aggregate classification.

Consortium of Investigators of Modifiers of BRCA1/2 (CIMBA), c/o University of Cambridge
Classification: Pathogenic for Breast-ovarian cancer, familial, susceptibility to, 2. Last evaluated: 2015-10-02. Review status: criteria provided, single submitter. Criteria: CIMBA Mutation Classification guidelines May 2016. Collection method: clinical testing. Allele origin: germline. Not counted in ClinVar's aggregate classification.

Institute for Medical Genetics and Human Genetics, Charité - Universitätsmedizin Berlin
Classification: Pathogenic for Breast-ovarian cancer, familial, susceptibility to, 2. Review status: criteria provided, single submitter. Criteria: ACMG Guidelines, 2015. Collection method: not provided. Allele origin: germline. Inheritance: Autosomal dominant inheritance. Affected: yes. Not counted in ClinVar's aggregate classification.

Counsyl
Classification: Pathogenic for Breast-ovarian cancer, familial, susceptibility to, 2. Last evaluated: 2016-10-10. Review status: no assertion criteria provided. Collection method: clinical testing. Allele origin: unknown. Not counted in ClinVar's aggregate classification.

Sharing Clinical Reports Project (SCRP)
Classification: Pathogenic for Breast-ovarian cancer, familial 2. Last evaluated: 2012-05-01. Review status: no assertion criteria provided. Collection method: clinical testing. Allele origin: germline. Not counted in ClinVar's aggregate classification.

Clinical Genetics Laboratory, Department of Pathology, Netherlands Cancer Institute
Classification: Pathogenic. Review status: no assertion criteria provided. Collection method: clinical testing. Allele origin: germline. Affected: yes. Study: VKGL Data-share Consensus. Not counted in ClinVar's aggregate classification.

Diagnostic Laboratory, Department of Genetics, University Medical Center Groningen
Classification: Pathogenic. Review status: no assertion criteria provided. Collection method: clinical testing. Allele origin: germline. Affected: yes. Study: VKGL Data-share Consensus. Not counted in ClinVar's aggregate classification.

Faculté Pluridciplinaire Nador, Université Mohamed Premier
Classification: Tier I - Strong for Lung cancer. Assertion type: Therapeutic. Clinical significance: sensitivity/response. Review status: no assertion criteria provided. Collection method: research. Allele origin: somatic. Affected: yes.
Comment: The following databases and algorithms are used to annotate and evaluate the impact of the variant in the context of human disease: 1000 genomes, gnomAD, ClinVar, OMIM, dbSNP, NCIB RefSeq Genes, ExAC Gene Constraints, VS-SIFT, VS-PolyPhen2, PhyloP, GERP++, GeneSplicer, MaxEntScan, NNSplice, PWM Splice Predictor. Allele predicted to encode a non-functional protein p.T3033fs*29 (PMID: 35216584 - PMID: 33726785)

Faculté Pluridciplinaire Nador, Université Mohamed Premier
Classification: Tier I - Strong for Familial pancreatic carcinoma. Assertion type: Therapeutic. Clinical significance: sensitivity/response. Review status: no assertion criteria provided. Collection method: research. Allele origin: somatic. Affected: yes.
Comment: the same text as in the submission from Faculté Pluridciplinaire Nador, Université Mohamed Premier above.

Faculté Pluridciplinaire Nador, Université Mohamed Premier
Classification: Tier I - Strong for Familial cancer of breast. Assertion type: Therapeutic. Clinical significance: sensitivity/response. Review status: no assertion criteria provided. Collection method: research. Allele origin: somatic. Affected: yes.
Comment: the same text as in the submission from Faculté Pluridciplinaire Nador, Université Mohamed Premier above.

Faculté Pluridciplinaire Nador, Université Mohamed Premier
Classification: Tier I - Strong for Cervical cancer. Assertion type: Therapeutic. Clinical significance: sensitivity/response. Review status: no assertion criteria provided. Collection method: research. Allele origin: somatic. Affected: yes.
Comment: the same text as in the submission from Faculté Pluridciplinaire Nador, Université Mohamed Premier above.

Literature cited by the submitters: PubMed 20104584 (cited by Labcorp Genetics (formerly Invitae), Labcorp); PubMed 16683254 (cited by 6 submitters); PubMed 21120943 (cited by 5 submitters); PubMed 24578186 (cited by Labcorp Genetics (formerly Invitae), Labcorp); PubMed 24916970 (cited by Labcorp Genetics (formerly Invitae), Labcorp); PubMed 25863477 (cited by 4 submitters); PubMed 26187060 (cited by Labcorp Genetics (formerly Invitae), Labcorp and Department of Pathology and Laboratory Medicine, Sinai Health System); PubMed 28993434 (cited by 4 submitters); PubMed 29752822 (cited by Ambry Genetics and Quest Diagnostics Nichols Institute San Juan Capistrano); PubMed 26221963 (cited by 3 submitters); PubMed 18006916 (cited by 4 submitters); PubMed 11802209 (cited by Women's Health and Genetics/Laboratory Corporation of America, LabCorp); PubMed 19818148 (cited by 3 submitters).